The following is an entry in ClinVar:

NM_012472.6(DNAAF11):c.250T>C (p.Leu84=)

Gene: DNAAF11 (dynein axonemal assembly factor 11; minus strand). Cytogenetic location: 8q24.22.
Variant type: single nucleotide variant.
Coding change: c.250T>C on transcript NM_012472.6 (MANE Select); coding-DNA position 250, T replaced by C.
Protein change: p.Leu84=; no amino-acid change (leucine 84 retained).
Molecular consequence: synonymous variant. On other transcripts: 5 prime UTR variant (4), non-coding transcript variant (7), intron variant (1).
Genome position (GRCh38, 1-based): chr8:132,656,836, A>G on the plus strand (T>C on the coding strand, the complement: DNAAF11 is on the minus strand). VCF-style: chr8-132656836-A-G. GRCh37 (hg19) VCF-style: chr8-133669082-A-G.
Other names: c.250T>C, p.Leu84= (NM_001321961.2); c.-111T>C (NM_001321963.2, NM_001321964.2, NM_001321966.2); c.-424T>C (NM_001321965.2); c.10+18648T>C (NM_001321962.2); c.250T>C (NM_012472.5).
Identifiers: ClinVar variation 1079568 (VCV001079568.10), dbSNP rs750250466, ClinGen allele CA4881431.

ClinVar aggregate classification (germline): Likely benign. Review status: criteria provided, multiple submitters, no conflicts (2 of 4 stars). 2 submissions from 2 submitters: Likely benign (2). Last evaluated 2025-09-04.

Conditions:
DNAAF11-related disorder. Also called: DNAAF11-related condition.
Primary ciliary dyskinesia 19. Also called: CILIARY DYSKINESIA, PRIMARY, 19, WITH OR WITHOUT SITUS INVERSUS. Identifiers: Orphanet 244, MedGen C3543826, MONDO:0013979, OMIM 614935.

Allele frequency attached by ClinVar (database versions not stated): gnomAD exomes 0.00002 and 0.00011; TOPMed 0.00002; gnomAD 0.00004; ExAC 0.00006.
gnomAD v4.1: 130 of 1,304,498 alleles (0.01%); highest among the groups gnomAD compares: Non-Finnish European, 0.013%; no homozygotes.

Submissions (2):

PreventionGenetics, part of Exact Sciences
Classification: Likely benign for DNAAF11-related condition. Last evaluated: 2025-09-04. Review status: criteria provided, single submitter. Criteria: ACMG Guidelines, 2015. Collection method: clinical testing. Allele origin: germline.
Comment: This variant is classified as likely benign based on ACMG/AMP sequence variant interpretation guidelines (Richards et al. 2015 PMID: 25741868, with internal and published modifications).

Labcorp Genetics (formerly Invitae), Labcorp
Classification: Likely benign for Primary ciliary dyskinesia 19. Last evaluated: 2025-07-03. Review status: criteria provided, single submitter. Criteria: Invitae Variant Classification Sherloc (09022015). Collection method: clinical testing. Allele origin: germline.